The following is an entry in ClinVar:

ClinVar aggregate classification (germline): Uncertain significance (1 of 4 stars; one submission).

Conditions:
Inborn genetic diseases. Identifiers: MedGen C0950123, MeSH D030342.

Allele frequency attached by ClinVar (database versions not stated): ExAC 0.00001.

Submission:

Ambry Genetics
Classification: Uncertain significance for Inborn genetic diseases. Last evaluated: 2021-12-23. Review status: criteria provided, single submitter. Criteria: Ambry Variant Classification Scheme 2023. Collection method: clinical testing. Allele origin: germline.
Comment: The p.H439D variant (also known as c.1315C>G), located in coding exon 10 of the ACD gene, results from a C to G substitution at nucleotide position 1315. The histidine at codon 439 is replaced by aspartic acid, an amino acid with similar properties. This amino acid position is conserved. In addition, this alteration is predicted to be tolerated by in silico analysis. Since supporting evidence is limited at this time, the clinical significance of this alteration remains unclear.

NM_001082486.2(ACD):c.1057C>G (p.His353Asp)

Gene: ACD (ACD shelterin complex subunit and telomerase recruitment factor; minus strand). Cytogenetic location: 16q22.1.
Variant type: single nucleotide variant.
Coding change: c.1057C>G on transcript NM_001082486.2 (MANE Select); coding-DNA position 1057, C replaced by G.
Protein change: p.His353Asp; replaces histidine 353 with aspartic acid.
Molecular consequence: missense variant.
Genome position (GRCh38, 1-based): chr16:67,658,135, G>C on the plus strand (C>G on the coding strand, the complement: ACD is on the minus strand). VCF-style: chr16-67658135-G-C. GRCh37 (hg19) VCF-style: chr16-67692038-G-C.
Other names: c.970C>G, p.His324Asp (NM_001410884.1); c.1048C>G, p.His350Asp (NM_022914.3); short protein forms H324D, H353D, H350D.
Identifiers: ClinVar variation 1769777 (VCV001769777.2), dbSNP rs781528431, ClinGen allele CA8114449.